The following is an entry in ClinVar:

NM_005881.4(BCKDK):c.50_71del (p.Leu17fs)

Gene: BCKDK (branched chain keto acid dehydrogenase kinase; plus strand). Cytogenetic location: 16p11.2.
Variant type: Deletion.
Coding change: c.50_71del on transcript NM_005881.4 (MANE Select); coding-DNA positions 50 to 71, 22 bases deleted (TCCGGCCCCTCCTGGGACCCGC).
Protein change: p.Leu17fs; shifts the reading frame from leucine 17.
Molecular consequence: frameshift variant.
Genome position (GRCh38, 1-based): chr16:31,109,273-31,109,294, TCCGGCCCCTCCTGGGACCCGC deleted; deleting any 22 consecutive bases within chr16:31,109,269-31,109,294 gives the same sequence; the c. name uses the placement nearest the transcript's 3' end. VCF-style (leftmost placement, unchanged base first): chr16-31109268-TCCGCTCCGGCCCCTCCTGGGAC-T. GRCh37 (hg19) VCF-style: chr16-31120589-TCCGCTCCGGCCCCTCCTGGGAC-T.
Other names: c.50_71del, p.Leu17fs (NM_001122957.4, NM_001271926.3); short protein forms L17fs.
Identifiers: ClinVar variation 1285549 (VCV001285549.1), dbSNP rs2143936992, ClinGen allele CA2499223512.
Genomic context (GRCh38, chr16:31,109,268, plus strand): 5'-TGAAAGGAGCAAGACGATGATCCTGGCGTCGGTGCTGAGGAGCGGTCCCGGGGGCGGGCT[TCCGCTCCGGCCCCTCCTGGGAC>T]CCGCACTCGCGCTCCGGGCCCGCTCGACGTCGGCCACCGACACACACCACGTGGAGATGG-3'

ClinVar aggregate classification (germline): Pathogenic (1 of 4 stars; one submission).

Conditions:
Branched-chain keto acid dehydrogenase kinase deficiency (BCKDKD). Also called: BCKDK DEFICIENCY. Identifiers: Orphanet 308410, MedGen C3554078, MONDO:0013970, OMIM 614923.

Submission:

Institute of Human Genetics, University of Leipzig Medical Center
Classification: Pathogenic for Branched-chain keto acid dehydrogenase kinase deficiency. Last evaluated: 2021-03-16. Review status: criteria provided, single submitter. Criteria: ACMG Guidelines, 2015. Collection method: clinical testing. Allele origin: unknown. Affected: yes.
Comment: This variant was identified as homozygous.